The following is an entry in ClinVar:

NM_000465.4(BARD1):c.1868G>A (p.Gly623Glu)

Gene: BARD1 (BRCA1 associated RING domain 1; minus strand). Cytogenetic location: 2q35.
Variant type: single nucleotide variant.
Coding change: c.1868G>A on transcript NM_000465.4 (MANE Select); coding-DNA position 1868, G replaced by A.
Protein change: p.Gly623Glu; replaces glycine 623 with glutamic acid.
Molecular consequence: missense variant. On other transcripts: non-coding transcript variant (3), intron variant (1).
Genome position (GRCh38, 1-based): chr2:214,745,102, C>T on the plus strand (G>A on the coding strand, the complement: BARD1 is on the minus strand). VCF-style: chr2-214745102-C-T. GRCh37 (hg19) VCF-style: chr2-215609826-C-T.
Other names: p.G623E:GGG>GAG; c.1811G>A, p.Gly604Glu (NM_001282543.2); c.515G>A, p.Gly172Glu (NM_001282545.2); c.458G>A, p.Gly153Glu (NM_001282548.2); c.365-14594G>A (NM_001282549.2); short protein forms G623E, G172E, G153E, G604E.
Identifiers: ClinVar variation 142123 (VCV000142123.35), dbSNP rs587782252, ClinGen allele CA294262.

ClinVar aggregate classification (germline): Uncertain significance. Review status: criteria provided, multiple submitters, no conflicts (2 of 4 stars). 9 submissions from 9 submitters: Uncertain significance (8). 1 of the submissions does not count toward it. Last evaluated 2025-12-30.

Conditions:
Familial ovarian cancer. Identifiers: MedGen C5679802, MONDO:0016248.
Hereditary cancer-predisposing syndrome. Also called: Neoplastic Syndromes, Hereditary; Tumor predisposition; Hereditary Cancer Syndrome; Hereditary neoplastic syndrome. Identifiers: Orphanet 140162, MedGen C0027672, MeSH D009386, MONDO:0015356.
Familial cancer of breast. Also called: BREAST CANCER, FAMILIAL; Hereditary breast cancer; hereditary breast carcinoma. Identifiers: Orphanet 227535, MedGen C0346153, MONDO:0016419, OMIM 114480. Disease mechanism: loss of function.

Allele frequency attached by ClinVar (database versions not stated): gnomAD 0.00001; gnomAD exomes 0.00001; TOPMed 0.00001; ExAC 0.00002.
gnomAD v4.1: 37 of 1,613,832 alleles (0.0023%); highest among the groups gnomAD compares: Non-Finnish European, 0.0031%; no homozygotes.

Submissions (9):

Labcorp Genetics (formerly Invitae), Labcorp
Classification: Uncertain significance for Familial cancer of breast. Last evaluated: 2025-12-30. Review status: criteria provided, single submitter. Criteria: Invitae Variant Classification Sherloc (09022015). Collection method: clinical testing. Allele origin: germline.
Comment: This sequence change replaces glycine, which is neutral and non-polar, with glutamic acid, which is acidic and polar, at codon 623 of the BARD1 protein (p.Gly623Glu). This variant is present in population databases (rs587782252, gnomAD 0.003%). This missense change has been observed in individual(s) with breast cancer, ovarian cancer, and/or sarcoma (PMID: 27498913, 30584090, 32008151). ClinVar contains an entry for this variant (Variation ID: 142123). An algorithm developed to predict the effect of missense changes on protein structure and function (PolyPhen-2) suggests that this variant is likely to be disruptive. Experimental studies have shown that this missense change affects BARD1 function (PMID: 26350354). In summary, the available evidence is currently insufficient to determine the role of this variant in disease. Therefore, it has been classified as a Variant of Uncertain Significance.

Color Diagnostics, LLC DBA Color Health
Classification: Uncertain significance for Hereditary cancer-predisposing syndrome. Last evaluated: 2025-02-10. Review status: criteria provided, single submitter. Criteria: ACMG Guidelines, 2015. Collection method: clinical testing. Allele origin: germline.
Comment: This missense variant replaces glycine with glutamic acid at codon 623 of the BARD1 protein. Computational prediction suggests that this variant may not impact protein structure and function. A functional study has shown that this variant displays defective BRCA1 protein binding ability and results in decreased homology-directed DNA repair activity in mammalian cell-based assays (PMID: 26350354). In a large breast cancer case-control meta-analysis, this variant was identified in 5/60461 cases and 2/53459 unaffected controls (OR=2.21, 95%CI 0.429 to 11.394, p-value=0.459; PMID: 33471991; Leiden Open Variation Database DB-ID BARD1_000145). This variant has been reported in an individual affected with sarcoma (PMID: 27498913). This variant has also been identified in 3/251210 chromosomes in the general population by the Genome Aggregation Database (gnomAD). The available evidence is insufficient to determine the role of this variant in disease conclusively. Therefore, this variant is classified as a Variant of Uncertain Significance.

Ambry Genetics
Classification: Uncertain significance for Hereditary cancer-predisposing syndrome. Last evaluated: 2024-12-08. Review status: criteria provided, single submitter. Criteria: Ambry Variant Classification Scheme 2023. Collection method: clinical testing. Allele origin: germline.
Comment: The p.G623E variant (also known as c.1868G>A), located in coding exon 9 of the BARD1 gene, results from a G to A substitution at nucleotide position 1868. The glycine at codon 623 is replaced by glutamic acid, an amino acid with similar properties. This alteration was previously reported in a cohort of 1162 individuals with sarcoma (Ballinger ML et al. Lancet Oncol. 2016 Sep;17:1261-71). In another study, this variant was detected in 1/91 Irish breast cancer patients and 0/77 ethnically matched controls (McVeigh &Uacute;M et al. Ir J Med Sci, 2020 Aug;189:849-864). Homology-directed DNA repair (HDR) assays demonstrated that this alteration has intermediate HDR function (Lee C et al. Hum. Mutat. 2015 Dec;36:1205-14). This amino acid position is well conserved in available vertebrate species. In addition, the in silico prediction for this alteration is inconclusive. Since supporting evidence is limited at this time, the clinical significance of this alteration remains unclear.

Women's Health and Genetics/Laboratory Corporation of America, LabCorp
Classification: Uncertain significance. Last evaluated: 2024-04-09. Review status: criteria provided, single submitter. Criteria: LabCorp Variant Classification Summary - May 2015. Collection method: clinical testing. Allele origin: germline.
Comment: Variant summary: BARD1 c.1868G>A (p.Gly623Glu) results in a non-conservative amino acid change located in the BRCT domain (IPR001357) of the encoded protein sequence. Four of five in-silico tools predict a damaging effect of the variant on protein function. The variant allele was found at a frequency of 1.2e-05 in 251210 control chromosomes. c.1868G>A has been reported in the literature as a VUS in individuals affected with breast cancer and prostate cancer (e.g. McVeigh_2020, Plym_2022). These reports do not provide unequivocal conclusions about association of the variant with Hereditary Breast And Ovarian Cancer Syndrome. At least one publication reports experimental evidence evaluating an impact on protein function, with the variant showing intermediate HDR function (19% of WT) and loss of BRCA1 binding (e.g. Lee_2015). The following publications have been ascertained in the context of this evaluation (PMID: 26350354, 30584090, 32008151, 35079693). ClinVar contains an entry for this variant (Variation ID: 142123). Based on the evidence outlined above, the variant was classified as VUS-possibly pathogenic.

Baylor Genetics
Classification: Uncertain significance for Familial cancer of breast. Last evaluated: 2024-02-23. Review status: criteria provided, single submitter. Criteria: ACMG Guidelines, 2015. Collection method: clinical testing. Allele origin: unknown.

Quest Diagnostics Nichols Institute San Juan Capistrano
Classification: Uncertain significance. Last evaluated: 2023-12-06. Review status: criteria provided, single submitter. Criteria: Quest Diagnostics criteria. Collection method: clinical testing. Allele origin: unknown.
Comment: The BARD1 c.1868G>A (p.Gly623Glu) variant has been reported in the published literature in affected individuals with breast cancer (PMIDs: 32008151 (2020), as well as in breast cancer cases and unaffected individuals in a large scale breast cancer association study (PMID: 33471991 (2021), see also LOVD)). A functional study found that this variant had an inconclusive effect on protein function (PMID: 26350354 (2015)). The frequency of this variant in the general population, 0.000026 (3/113518 chromosomes (Genome Aggregation Database)), is uninformative in the assessment of its pathogenicity. Analysis of this variant using bioinformatics tools for the prediction of the effect of amino acid changes on protein structure and function yielded conflicting predictions that this variant is benign or damaging. Based on the available information, we are unable to determine the clinical significance of this variant.

GeneDx
Classification: Uncertain significance. Last evaluated: 2023-04-27. Review status: criteria provided, single submitter. Criteria: GeneDx Variant Classification Process June 2021. Collection method: clinical testing. Allele origin: germline. Affected: yes.
Comment: Not observed at a significant frequency in large population cohorts (gnomAD); In silico analysis supports that this missense variant has a deleterious effect on protein structure/function; Observed in individuals with a personal history of sarcoma or breast cancer (Ballinger et al., 2016; McVeigh et al., 2020); Published functional studies demonstrate intermediate homology-directed repair activity and lack of BRCA1 binding (Lee et al., 2015); This variant is associated with the following publications: (PMID: 27498913, 32008151, 30925164, 17550235, 26350354)

Sema4
Classification: Uncertain significance for Hereditary cancer-predisposing syndrome. Last evaluated: 2022-02-09. Review status: criteria provided, single submitter. Criteria: Sema4 Curation Guidelines. Collection method: curation. Allele origin: germline.
Comment: The BARD1 c.1868G>A (p.G623E) variant has been reported in heterozygosity in at least six individuals with breast cancer (PMID: 32008151, 33471991). Functional studies have shown that this variant has 19% of the homology-directed repair activity of wild type BARD1 and interferes with BARD1-BRCA1 binding (PMID: 26350354). It was observed in 3/113518 chromosomes of the Non-Finnish European subpopulation in the large and broad cohorts of the Genome Aggregation Database (PMID: 32461654). The variant has been reported in ClinVar (Variation ID 142123). In silico predictions of the variant's effect on protein function are inconclusive. The evidence is insufficient to meet ACMG/AMP criteria for classifying the variant as benign or pathogenic. Thus, the clinical significance of this variant is currently uncertain.

Department of Pathology and Laboratory Medicine, Sinai Health System
Classification: Uncertain significance for Familial ovarian cancer. Review status: no assertion criteria provided. Collection method: clinical testing. Allele origin: unknown. Affected: yes. Observed: 1 variant allele. Study: The Canadian Open Genetics Repository (COGR). Not counted in ClinVar's aggregate classification.
Comment: The BARD1 p.Gly623Glu variant was identified in dbSNP (ID: rs587782252) as "With Uncertain significance allele", and in ClinVar (classified as uncertain significance by Invitae, GeneDx, Color, Ambry Genetics and one clinical laboratory). The variant was identified in control databases in 3 of 245976 chromosomes at a frequency of 0.00001 (Genome Aggregation Database Feb 27, 2017). The variant was observed in the European population in 3 of 111450 chromosomes (freq: 0.00003), while the variant was not observed in the African, Other, Latino, Ashkenazi Jewish, East Asian, Finnish, and South Asian populations. The functional study of BARD1 variants has shown the variant defective in homology directed DNA repair and did not bind the BRCA1 protein (Lee 2015). The p.Gly623 residue is conserved in mammals but not in more distantly related organisms, and computational analyses (PolyPhen-2, SIFT, AlignGVGD, BLOSUM, MutationTaster) suggest that the variant may impact the protein; however, this information is not predictive enough to assume pathogenicity. The variant occurs outside of the splicing consensus sequence and in silico or computational prediction software programs (SpliceSiteFinder, MaxEntScan, NNSPLICE, GeneSplicer) do not predict a difference in splicing. In summary, based on the above information the clinical significance of this variant cannot be determined with certainty at this time. This variant is classified as a variant of uncertain significance.

Literature cited by the submitters: PubMed 27498913 (cited by 3 submitters); PubMed 30584090 (cited by Labcorp Genetics (formerly Invitae), Labcorp and Women's Health and Genetics/Laboratory Corporation of America, LabCorp); PubMed 32008151 (cited by 5 submitters); PubMed 26350354 (cited by 6 submitters); PubMed 35079693 (cited by Women's Health and Genetics/Laboratory Corporation of America, LabCorp); PubMed 33471991 (cited by Quest Diagnostics Nichols Institute San Juan Capistrano and Sema4).